The following is an entry in ClinVar:

NC_000017.11:g.50201674G>A

Gene: COL1A1 (collagen type I alpha 1 chain; minus strand). Cytogenetic location: 17q21.33.
Variant type: single nucleotide variant.
Genome position: GRCh38 VCF-style: chr17-50201674-G-A. GRCh37 (hg19) VCF-style: chr17-48279035-G-A.
Identifiers: ClinVar variation 595705 (VCV000595705.13), dbSNP rs113647555, ClinGen allele CA291552695.

ClinVar aggregate classification (germline): Benign. Review status: criteria provided, multiple submitters, no conflicts (2 of 4 stars). 4 submissions from 4 submitters: Benign (4). Last evaluated 2024-12-09.

Conditions:
Osteogenesis imperfecta type I (OI1). Also called: Osteogenesis imperfecta type 1; Lobstein's Disease; Lobstein disease; Classic Non-deforming Osteogenesis Imperfecta with Blue Sclerae; OI, TYPE I; OSTEOGENESIS IMPERFECTA TARDA. Identifiers: Orphanet 216796, Orphanet 666, MedGen C0023931, MONDO:0008146, OMIM 166200. Disease mechanism: loss of function.

Allele frequency attached by ClinVar (database versions not stated): gnomAD 0.02149 and 0.02290; TOPMed 0.02455; 1000 Genomes Project 0.02416; 1000 Genomes Project 30x 0.02530; gnomAD exomes 0.00606.

Submissions (4):

Labcorp Genetics (formerly Invitae), Labcorp
Classification: Benign for Osteogenesis imperfecta type I. Last evaluated: 2024-12-09. Review status: criteria provided, single submitter. Criteria: Invitae Variant Classification Sherloc (09022015). Collection method: clinical testing. Allele origin: germline.

GeneDx
Classification: Benign. Last evaluated: 2018-06-19. Review status: criteria provided, single submitter. Criteria: GeneDx Variant Classification (06012015). Collection method: clinical testing. Allele origin: germline. Affected: yes.
Comment: This variant is considered likely benign or benign based on one or more of the following criteria: it is a conservative change, it occurs at a poorly conserved position in the protein, it is predicted to be benign by multiple in silico algorithms, and/or has population frequency not consistent with disease.

Eurofins Ntd Llc (ga)
Classification: Benign. Last evaluated: 2018-05-21. Review status: criteria provided, single submitter. Criteria: EGL ClinVar v180209 classification definitions. Collection method: clinical testing. Allele origin: germline. Observed: 2 variant alleles, 2 heterozygotes.

Breakthrough Genomics
Classification: Benign. Review status: criteria provided, single submitter. Criteria: ACMG Guidelines, 2015. Collection method: not provided. Allele origin: germline. Inheritance: Autosomal dominant inheritance. Affected: yes.